The following is an entry in ClinVar:

ClinVar aggregate classification (germline): Likely benign (1 of 4 stars; one submission).

Conditions:
Syndromic X-linked intellectual disability 94 (MRXSW). Also called: X-linked intellectual disability due to GRIA3 anomalies; MENTAL RETARDATION, X-LINKED, SYNDROMIC 29. Identifiers: Orphanet 364028, MedGen C2678051, MONDO:0010402, OMIM 300699.

Submission:

Dr. med. U. Finckh, Human Genetics, Eurofins MVZ
Classification: Likely benign for Syndromic X-linked intellectual disability 94. Last evaluated: 2022-05-25. Review status: criteria provided, single submitter. Criteria: ACMG Guidelines, 2015. Collection method: clinical testing. Allele origin: paternal. Affected: no. Observed: 1 heterozygote, 1 hemizygote.

NM_007325.5(GRIA3):c.284C>T (p.Ser95Leu)

Gene: GRIA3 (glutamate ionotropic receptor AMPA type subunit 3; plus strand). Cytogenetic location: Xq25.
Variant type: single nucleotide variant.
Coding change: c.284C>T on transcript NM_007325.5 (MANE Select); coding-DNA position 284, C replaced by T.
Protein change: p.Ser95Leu; replaces serine 95 with leucine.
Molecular consequence: missense variant.
Genome position (GRCh38, 1-based): chrX:123,253,318, C>T. VCF-style: chrX-123253318-C-T. GRCh37 (hg19) VCF-style: chrX-122387169-C-T.
Other names: c.284C>T, p.Ser95Leu (NM_000828.5); short protein forms S95L.
Identifiers: ClinVar variation 2581024 (VCV002581024.1), dbSNP rs2044401272, ClinGen allele CA414259937.